The following is an entry in ClinVar:

ClinVar aggregate classification (germline): Conflicting classifications of pathogenicity. Review status: criteria provided, conflicting classifications (1 of 4 stars). 2 submissions from 2 submitters: Uncertain significance (1); Likely benign (1). Last evaluated 2025-11-18.

Conditions:
Inborn genetic diseases. Identifiers: MedGen C0950123, MeSH D030342.
Fanconi anemia (FA). Also called: Fanconi's anemia. Identifiers: Orphanet 84, MedGen C0015625, MeSH D005199, MONDO:0019391.

Allele frequency attached by ClinVar (database versions not stated): ExAC 0.00001; TOPMed 0.00002; gnomAD 0.00003; 1000 Genomes Project 0.00020; 1000 Genomes Project 30x 0.00031.
gnomAD v4.1: 17 of 1,614,094 alleles (0.0011%); highest among the groups gnomAD compares: East Asian, 0.0067%; no homozygotes.

Submissions (2):

Labcorp Genetics (formerly Invitae), Labcorp
Classification: Likely benign for Fanconi anemia. Last evaluated: 2025-11-18. Review status: criteria provided, single submitter. Criteria: Invitae Variant Classification Sherloc (09022015). Collection method: clinical testing. Allele origin: germline.

Ambry Genetics
Classification: Uncertain significance for Inborn genetic diseases. Last evaluated: 2025-02-13. Review status: criteria provided, single submitter. Criteria: Ambry Variant Classification Scheme 2023. Collection method: clinical testing. Allele origin: germline.
Comment: The p.A1141T variant (also known as c.3421G>A), located in coding exon 35 of the FANCA gene, results from a G to A substitution at nucleotide position 3421. The alanine at codon 1141 is replaced by threonine, an amino acid with similar properties. This amino acid position is conserved. In addition, this alteration is predicted to be tolerated by in silico analysis. Based on the available evidence, the clinical significance of this variant remains unclear.

NM_000135.4(FANCA):c.3421G>A (p.Ala1141Thr)

Gene: FANCA (FA complementation group A; minus strand). Cytogenetic location: 16q24.3.
Variant type: single nucleotide variant.
Coding change: c.3421G>A on transcript NM_000135.4 (MANE Select); coding-DNA position 3421, G replaced by A.
Protein change: p.Ala1141Thr; replaces alanine 1141 with threonine.
Molecular consequence: missense variant.
Genome position (GRCh38, 1-based): chr16:89,746,676, C>T on the plus strand (G>A on the coding strand, the complement: FANCA is on the minus strand). VCF-style: chr16-89746676-C-T. GRCh37 (hg19) VCF-style: chr16-89813084-C-T.
Other names: c.3421G>A, p.Ala1141Thr (NM_001286167.3); short protein forms A1141T.
Identifiers: ClinVar variation 2156056 (VCV002156056.6), dbSNP rs547984666, ClinGen allele CA8251157.